The following is an entry in ClinVar:

NM_001134831.2(AHI1):c.7A>T (p.Thr3Ser)

Gene: AHI1 (Abelson helper integration site 1; minus strand). Cytogenetic location: 6q23.3.
Variant type: single nucleotide variant.
Coding change: c.7A>T on transcript NM_001134831.2 (MANE Select); coding-DNA position 7, A replaced by T.
Protein change: p.Thr3Ser; replaces threonine 3 with serine.
Molecular consequence: missense variant.
Genome position (GRCh38, 1-based): chr6:135,492,231, T>A on the plus strand (A>T on the coding strand, the complement: AHI1 is on the minus strand). VCF-style: chr6-135492231-T-A. GRCh37 (hg19) VCF-style: chr6-135813369-T-A.
Other names: c.7A>T, p.Thr3Ser (NM_001134830.2, NM_001134832.2, NM_001350503.2 and 2 more transcripts); short protein forms T3S.
Identifiers: ClinVar variation 959592 (VCV000959592.8), dbSNP rs1380181596, ClinGen allele CA365741515.

ClinVar aggregate classification (germline): Uncertain significance (1 of 4 stars; one submission).

Conditions:
Joubert syndrome. Also called: Familial aplasia of the vermis; CEREBELLOPARENCHYMAL DISORDER IV; JOUBERT-BOLTSHAUSER SYNDROME. Identifiers: Orphanet 475, MedGen C5979921, MONDO:0018772.

Submission:

Labcorp Genetics (formerly Invitae), Labcorp
Classification: Uncertain significance for Joubert syndrome. Last evaluated: 2020-02-29. Review status: criteria provided, single submitter. Criteria: Invitae Variant Classification Sherloc (09022015). Collection method: clinical testing. Allele origin: germline.
Comment: This variant has not been reported in the literature in individuals with AHI1-related conditions. In summary, the available evidence is currently insufficient to determine the role of this variant in disease. Therefore, it has been classified as a Variant of Uncertain Significance. Algorithms developed to predict the effect of missense changes on protein structure and function (SIFT, PolyPhen-2, Align-GVGD) all suggest that this variant is likely to be tolerated, but these predictions have not been confirmed by published functional studies and their clinical significance is uncertain. This variant is not present in population databases (ExAC no frequency). This sequence change replaces threonine with serine at codon 3 of the AHI1 protein (p.Thr3Ser). The threonine residue is weakly conserved and there is a small physicochemical difference between threonine and serine.